The following is an entry in ClinVar:

ClinVar aggregate classification (germline): Uncertain significance (1 of 4 stars; one submission).

Submission:

GeneDx
Classification: Uncertain significance. Last evaluated: 2020-10-28. Review status: criteria provided, single submitter. Criteria: GeneDx Variant Classification Process June 2021. Collection method: clinical testing. Allele origin: germline. Affected: yes.
Comment: Not observed in large population cohorts (Lek et al., 2016); In silico analysis supports that this missense variant has a deleterious effect on protein structure/function; Has not been previously published as pathogenic or benign to our knowledge

NM_001844.5(COL2A1):c.4177T>G (p.Cys1393Gly)

Gene: COL2A1 (collagen type II alpha 1 chain; minus strand). Cytogenetic location: 12q13.11.
Variant type: single nucleotide variant.
Coding change: c.4177T>G on transcript NM_001844.5 (MANE Select); coding-DNA position 4177, T replaced by G.
Protein change: p.Cys1393Gly; replaces cysteine 1393 with glycine.
Molecular consequence: missense variant.
Genome position (GRCh38, 1-based): chr12:47,974,229, A>C on the plus strand (T>G on the coding strand, the complement: COL2A1 is on the minus strand). VCF-style: chr12-47974229-A-C. GRCh37 (hg19) VCF-style: chr12-48368012-A-C.
Other names: c.3970T>G, p.Cys1324Gly (NM_033150.3); short protein forms C1324G, C1393G.
Identifiers: ClinVar variation 1313523 (VCV001313523.2), dbSNP rs2136505545, ClinGen allele CA384533696.